The following is an entry in ClinVar:

ClinVar aggregate classification (germline): Likely benign. Review status: reviewed by expert panel (3 of 4 stars). 14 submissions from 13 submitters: Likely benign (1). 13 of the submissions do not count toward it. Last evaluated 2019-03-25.

Conditions:
TECTA-related disorder. Also called: TECTA-related condition.
Nonsyndromic genetic hearing loss. Also called: Non-syndromic genetic deafness; Nonsyndromic hearing loss and deafness; Nonsyndromic genetic deafness. Identifiers: Orphanet 87884, MedGen C5680182, MONDO:0019497.
Autosomal recessive nonsyndromic hearing loss 21. Identifiers: Orphanet 90636, MedGen C1863655, MONDO:0011351, OMIM 603629.
Autosomal dominant nonsyndromic hearing loss 12. Also called: DEAFNESS, AUTOSOMAL DOMINANT 8. Identifiers: Orphanet 90635, MedGen C1832187, MONDO:0011102, OMIM 601543.
Hearing impairment. Also called: Impaired Hearing. Identifiers: MedGen C1384666, MONDO:0005365, HP:0000365.

Allele frequency attached by ClinVar (database versions not stated): gnomAD 0.00161 and 0.00171; TOPMed 0.00163; ExAC 0.00168; ESP Exome Variant Server 0.00200.
gnomAD v4.1: 4,315 of 1,613,012 alleles (0.27%); highest among the groups gnomAD compares: Non-Finnish European, 0.34%; 6 homozygotes.

Submissions (14):

ClinGen Hearing Loss Variant Curation Expert Panel
Classification: Likely benign for Nonsyndromic genetic hearing loss. Last evaluated: 2019-03-25. Review status: reviewed by expert panel. Criteria: ClinGen HL ACMG Specifications v1. Collection method: curation. Allele origin: germline. Inheritance: Autosomal recessive inheritance.
Comment: The p.Asn687Lys variant in TECTA has been identified in 1 patient with Asperger syndrome who was hypersensitive to sound (PMID: 30675382). However, the filtering allele frequency of the p.Asn687Lys variant is 0.3% for European chromosomes by gnomAD (399/126054, including one homozygous observation, with 95% CI), which is a high enough frequency to be classified as likely benign based on the thresholds defined by the ClinGen Hearing Loss Expert Panel for autosomal recessive hearing loss variants (BS1). Additionally, computational prediction analysis using the metapredictor tool REVEL suggests that the variant may not impact the protein (BP4). In summary, this variant meets criteria to be classified as likely benign. ACMG/AMP criteria applied, as specified by the Hearing Loss Expert Panel : BS1, BP4.

Labcorp Genetics (formerly Invitae), Labcorp
Classification: Likely benign. Last evaluated: 2025-12-30. Review status: criteria provided, single submitter. Criteria: Invitae Variant Classification Sherloc (09022015). Collection method: clinical testing. Allele origin: germline. Not counted in ClinVar's aggregate classification.

Blueprint Genetics
Classification: Likely benign. Last evaluated: 2024-11-15. Review status: criteria provided, single submitter. Criteria: ACMG Guidelines, 2015. Collection method: clinical testing. Allele origin: germline. Not counted in ClinVar's aggregate classification.

CeGaT Center for Human Genetics Tuebingen
Classification: Likely benign. Last evaluated: 2023-05-01. Review status: criteria provided, single submitter. Criteria: CeGaT Center For Human Genetics Tuebingen Variant Classification Criteria Version 2. Collection method: clinical testing. Allele origin: germline. Affected: yes. Observed: 2 variant alleles. Not counted in ClinVar's aggregate classification.
Comment: TECTA: BS1

Department of Otolaryngology – Head & Neck Surgery, Cochlear Implant Center
Classification: Likely benign for Hearing impairment. Last evaluated: 2021-04-12. Review status: criteria provided, single submitter. Criteria: ClinGen HL ACMG Specifications v1. Collection method: clinical testing. Allele origin: germline. Affected: yes. Not counted in ClinVar's aggregate classification.
Comment: PP1_Moderate, BS1_Strong, BS2_Supporting, BS4_Supporting

GeneDx
Classification: Likely benign. Last evaluated: 2020-10-27. Review status: criteria provided, single submitter. Criteria: GeneDx Variant Classification Process June 2021. Collection method: clinical testing. Allele origin: germline. Affected: yes. Not counted in ClinVar's aggregate classification.

Institute of Human Genetics, University of Leipzig Medical Center
Classification: Likely benign for Autosomal dominant nonsyndromic hearing loss 12. Last evaluated: 2019-01-01. Review status: criteria provided, single submitter. Criteria: ACMG Guidelines, 2015. Collection method: clinical testing. Allele origin: unknown. Affected: yes. Not counted in ClinVar's aggregate classification.

Illumina Laboratory Services, Illumina
Classification: Uncertain significance for Autosomal recessive nonsyndromic hearing loss 21. Last evaluated: 2018-01-12. Review status: criteria provided, single submitter. Criteria: ICSL Variant Classification Criteria 13 December 2019. Collection method: clinical testing. Allele origin: germline. Not counted in ClinVar's aggregate classification.

Illumina Laboratory Services, Illumina
Classification: Likely benign for Autosomal dominant nonsyndromic hearing loss 12. Last evaluated: 2018-01-12. Review status: criteria provided, single submitter. Criteria: ICSL Variant Classification Criteria 13 December 2019. Collection method: clinical testing. Allele origin: germline. Not counted in ClinVar's aggregate classification.
Comment: This variant was observed in the ICSL laboratory as part of a predisposition screen in an ostensibly healthy population. It had not been previously curated by ICSL or reported in the Human Gene Mutation Database (HGMD: prior to June 1st, 2018), and was therefore a candidate for classification through an automated scoring system. Utilizing variant allele frequency, disease prevalence and penetrance estimates, and inheritance mode, an automated score was calculated to assess if this variant is too frequent to cause the disease. Based on the score and internal cut-off values, a variant classified as likely benign is not then subjected to further curation. The score for this variant resulted in a classification of likely benign for this disease.

Laboratory for Molecular Medicine, Mass General Brigham Personalized Medicine
Classification: Likely benign. Last evaluated: 2016-01-07. Review status: criteria provided, single submitter. Criteria: LMM Criteria. Collection method: clinical testing. Allele origin: germline. Observed: 8 variant alleles. Not counted in ClinVar's aggregate classification.
Comment: p.Asn687Lys in exon 8 of TECTA: This variant is not expected to have clinical si gnificance because it has been identified in 0.3% (182/66562) of European chromo somes, including 1 homozygote, by the Exome Aggregation Consortium (ExAC; dbSNP rs139165033).

PreventionGenetics, part of Exact Sciences
Classification: Likely benign for TECTA-related condition. Last evaluated: 2022-03-22. Review status: no assertion criteria provided. Collection method: clinical testing. Allele origin: germline. Not counted in ClinVar's aggregate classification.
Comment: This variant is classified as likely benign based on ACMG/AMP sequence variant interpretation guidelines (Richards et al. 2015 PMID: 25741868, with internal and published modifications).

Clinical Genetics DNA and cytogenetics Diagnostics Lab, Erasmus MC, Erasmus Medical Center
Classification: Likely benign. Review status: no assertion criteria provided. Collection method: clinical testing. Allele origin: germline. Affected: yes. Study: VKGL Data-share Consensus. Not counted in ClinVar's aggregate classification.

Department of Pathology and Laboratory Medicine, Sinai Health System
Classification: Uncertain significance. Review status: no assertion criteria provided. Collection method: clinical testing. Allele origin: unknown. Affected: yes. Study: The Canadian Open Genetics Repository (COGR). Not counted in ClinVar's aggregate classification.
Comment: The TECTA p.Asn687Lys variant was identified in 3 of 72 proband chromosomes (1 homozygous; frequency=0.0417) from individuals from the Faroes Islands with autism and was present in 2 of 214 control chromosomes (frequency: 0.0093) from healthy individuals (Leblond_2019_PMID:30675382). The variant was identified in dbSNP (ID: rs139165033), ClinVar (classified as a VUS by GeneDx, as a VUS for Nonsyndromic Hearing Loss, Recessive and Dominant by Illumina and as likely benign by Laboratory for Molecular Medicine, Partners HealthCare Personalized Medicine) and LOVD 3.0 (classified as a VUS and likely benign). The variant was also identified in control databases in 484 of 281564 chromosomes (1 homozygous) at a frequency of 0.001719 increasing the likelihood this could be a low frequency benign variant (Genome Aggregation Database Feb 27, 2017). The variant was observed in the following populations: European (non-Finnish) in 403 of 128618 chromosomes (freq: 0.003133), Latino in 43 of 35420 chromosomes (freq: 0.001214), European (Finnish) in 19 of 24494 chromosomes (freq: 0.000776), Ashkenazi Jewish in 8 of 10348 chromosomes (freq: 0.000773), Other in 5 of 7192 chromosomes (freq: 0.000695) and African in 6 of 24950 chromosomes (freq: 0.000241); it was not observed in the East Asian or South Asian populations. The p.Asn687 residue is conserved in mammals and computational analyses (PolyPhen-2, SIFT, AlignGVGD, BLOSUM, MutationTaster) provide inconsistent predictions regarding the impact to the protein; this information is not very predictive of pathogenicity. The variant occurs outside of the splicing consensus sequence and 3 of 4 in silico or computational prediction software programs (MaxEntScan, NNSPLICE, GeneSplicer) do not predict a difference in splicing. In summary, based on the above information the clinical significance of this variant cannot be determined with certainty at this time. This variant is classified as a variant of uncertain significance.

Joint Genome Diagnostic Labs from Nijmegen and Maastricht, Radboudumc and MUMC+
Classification: Likely benign. Review status: no assertion criteria provided. Collection method: clinical testing. Allele origin: germline. Affected: yes. Study: VKGL Data-share Consensus. Not counted in ClinVar's aggregate classification.

NM_005422.4(TECTA):c.2061C>G (p.Asn687Lys)

Genes: TECTA (tectorin alpha; plus strand), TBCEL-TECTA (TBCEL-TECTA readthrough; plus strand). Cytogenetic location: 11q23.3.
Variant type: single nucleotide variant.
Coding change: c.2061C>G on transcript NM_005422.4 (MANE Select); coding-DNA position 2061, C replaced by G.
Protein change: p.Asn687Lys; replaces asparagine 687 with lysine.
Molecular consequence: missense variant.
Genome position (GRCh38, 1-based): chr11:121,128,038, C>G. VCF-style: chr11-121128038-C-G. GRCh37 (hg19) VCF-style: chr11-120998747-C-G.
Other names: NM_005422.2(TECTA):c.2061C>G; c.2061C>G (XM_005271653.1); c.3018C>G, p.Asn1006Lys (NM_001378761.1); short protein forms N687K, N1006K.
Identifiers: ClinVar variation 45317 (VCV000045317.60), dbSNP rs139165033, ClinGen allele CA136024.